The following is an entry in ClinVar:

ClinVar aggregate classification (germline): Uncertain significance (1 of 4 stars; one submission).

gnomAD v4.1: 52 of 1,611,998 alleles (0.0032%); highest among the groups gnomAD compares: Non-Finnish European, 0.0043%; no homozygotes.

Submission:

Women's Health and Genetics/Laboratory Corporation of America, LabCorp
Classification: Uncertain significance. Last evaluated: 2024-09-23. Review status: criteria provided, single submitter. Criteria: LabCorp Variant Classification Summary - May 2015. Collection method: clinical testing. Allele origin: germline.
Comment: Variant summary: LARS2 c.2571A>C (p.Gln857His) results in a non-conservative amino acid change in the encoded protein sequence. Four of five in-silico tools predict a benign effect of the variant on protein function. The variant allele was found at a frequency of 8e-06 in 248764 control chromosomes. The available data on variant occurrences in the general population are insufficient to allow any conclusion about variant significance. To our knowledge, no occurrence of c.2571A>C in individuals affected with LARS2-Related Disorders and no experimental evidence demonstrating its impact on protein function have been reported. No submitters have cited clinical-significance assessments for this variant to ClinVar. Based on the evidence outlined above, the variant was classified as uncertain significance.

NM_015340.4(LARS2):c.2571A>C (p.Gln857His)

Gene: LARS2 (leucyl-tRNA synthetase 2, mitochondrial; plus strand). Cytogenetic location: 3p21.31.
Variant type: single nucleotide variant.
Coding change: c.2571A>C on transcript NM_015340.4 (MANE Select); coding-DNA position 2571, A replaced by C.
Protein change: p.Gln857His; replaces glutamine 857 with histidine.
Molecular consequence: missense variant.
Genome position (GRCh38, 1-based): chr3:45,547,389, A>C. VCF-style: chr3-45547389-A-C. GRCh37 (hg19) VCF-style: chr3-45588881-A-C.
Other names: c.2571A>C, p.Gln857His (NM_001368263.1); short protein forms Q857H.
Identifiers: ClinVar variation 3375300 (VCV003375300.1).